The following is an entry in ClinVar:

ClinVar aggregate classification (germline): Uncertain significance (1 of 4 stars; one submission).

Conditions:
Hereditary cancer-predisposing syndrome. Also called: Hereditary Cancer Syndrome; Hereditary neoplastic syndrome; Neoplastic Syndromes, Hereditary; Tumor predisposition. Identifiers: Orphanet 140162, MedGen C0027672, MeSH D009386, MONDO:0015356.

Submission:

Ambry Genetics
Classification: Uncertain significance for Hereditary cancer-predisposing syndrome. Last evaluated: 2022-05-23. Review status: criteria provided, single submitter. Criteria: Ambry Variant Classification Scheme 2023. Collection method: clinical testing. Allele origin: germline.
Comment: The p.A443V variant (also known as c.1328C>T), located in coding exon 9 of the FLCN gene, results from a C to T substitution at nucleotide position 1328. The alanine at codon 443 is replaced by valine, an amino acid with similar properties. This amino acid position is poorly conserved in available vertebrate species. In addition, this alteration is predicted to be tolerated by in silico analysis. Since supporting evidence is limited at this time, the clinical significance of this alteration remains unclear.

NM_144997.7(FLCN):c.1328C>T (p.Ala443Val)

Gene: FLCN (folliculin; minus strand). Cytogenetic location: 17p11.2.
Variant type: single nucleotide variant.
Coding change: c.1328C>T on transcript NM_144997.7 (MANE Select); coding-DNA position 1328, C replaced by T.
Protein change: p.Ala443Val; replaces alanine 443 with valine.
Molecular consequence: missense variant.
Genome position (GRCh38, 1-based): chr17:17,215,289, G>A on the plus strand (C>T on the coding strand, the complement: FLCN is on the minus strand). VCF-style: chr17-17215289-G-A. GRCh37 (hg19) VCF-style: chr17-17118603-G-A.
Other names: c.1382C>T, p.Ala461Val (NM_001353229.2); c.1328C>T, p.Ala443Val (NM_001353230.2, NM_001353231.2); short protein forms A443V, A461V.
Identifiers: ClinVar variation 1770053 (VCV001770053.2), dbSNP rs1297078797, ClinGen allele CA398531456.